The following is an entry in ClinVar:

NM_000548.5(TSC2):c.2106_2108dup (p.Asp702_Trp703insCys)

Gene: TSC2 (TSC complex subunit 2; plus strand). Cytogenetic location: 16p13.3.
Variant type: Duplication.
Coding change: c.2106_2108dup on transcript NM_000548.5 (MANE Select); coding-DNA positions 2106 to 2108, 3 bases duplicated (CTG; older notation c.2106_2108dupCTG).
Protein change: p.Asp702_Trp703insCys.
Molecular consequence: inframe insertion. On other transcripts: inframe indel (32).
Genome position (GRCh38, 1-based): chr16:2,072,249-2,072,251, CTG duplicated. VCF-style (leftmost placement, unchanged base first): chr16-2072248-A-ACTG. GRCh37 (hg19) VCF-style: chr16-2122249-A-ACTG.
Other names: c.1959_1961dup, p.Asp653_Trp654insCys (NM_001406676.1, NM_001406679.1, NM_001318829.2 and 1 more transcripts); c.2049_2051dup, p.Asp683_Trp684insCys (NM_001406677.1); c.1995_1997dup, p.Asp665_Trp666insCys (NM_001406678.1, NM_001318827.2, NM_001406670.1); c.1506_1508dup, p.Asp502_Trp503insCys (NM_001406680.1, NM_001406682.1, NM_001406683.1 and 6 more transcripts); c.1644_1646dup, p.Asp548_Trp549insCys (NM_001406681.1); c.762_764dup, p.Asp254_Trp255insCys (NM_001406689.1, NM_001406690.1, NM_001406691.1 and 6 more transcripts); c.504_506dup, p.Asp168_Trp169insCys (NM_001406698.1); c.2106_2108dup, p.Asp702_Trp703insCys (NM_021055.3, NM_001077183.3, NM_001114382.3 and 6 more transcripts); and 3 more.
Identifiers: ClinVar variation 2014743 (VCV002014743.7), dbSNP rs2543726937, ClinGen allele CA2580090805.

ClinVar aggregate classification (germline): Uncertain significance. Review status: criteria provided, multiple submitters, no conflicts (2 of 4 stars). 2 submissions from 2 submitters: Uncertain significance (2). Last evaluated 2022-07-06.

Conditions:
Tuberous sclerosis 2 (TSC2). Identifiers: Orphanet 805, MedGen C1860707, MONDO:0013199, OMIM 613254.

Submissions (2):

Labcorp Genetics (formerly Invitae), Labcorp
Classification: Uncertain significance for Tuberous sclerosis 2. Last evaluated: 2022-07-06. Review status: criteria provided, single submitter. Criteria: Invitae Variant Classification Sherloc (09022015). Collection method: clinical testing. Allele origin: germline.
Comment: This variant, c.2106_2108dup, results in the insertion of 1 amino acid(s) of the TSC2 protein (p.Asp702_Trp703insCys), but otherwise preserves the integrity of the reading frame. In summary, the available evidence is currently insufficient to determine the role of this variant in disease. Therefore, it has been classified as a Variant of Uncertain Significance. Experimental studies and prediction algorithms are not available or were not evaluated, and the functional significance of this variant is currently unknown. This variant has not been reported in the literature in individuals affected with TSC2-related conditions. This variant is not present in population databases (gnomAD no frequency).

ARUP Laboratories, Molecular Genetics and Genomics, ARUP Laboratories
Classification: Uncertain significance. Last evaluated: 2022-06-22. Review status: criteria provided, single submitter. Criteria: ARUP Molecular Germline Variant Investigation Process 2021. Collection method: clinical testing. Allele origin: germline.
Comment: The TSC2 c.2106_2108dup; p.Asp702_Trp703insCys variant, to our knowledge, is not reported in the medical literature or gene specific databases. However, a similar variant, p.Asp702dup has be identified in an individual with tuberous sclerosis. This variant is also absent from the Genome Aggregation Database, indicating it is not a common polymorphism. This variant inserts a single cystine residue between positions 702 and 703 leaving the rest of the protein in-frame. Due to limited information, the clinical significance of the p.Asp702_Trp703insCys variant is uncertain at this time. References: Hung et al. Molecular and clinical analyses of 84 patients with tuberous sclerosis complex. BMC Med Genet. 2006 Sep 18;7:72. PMID: 16981987.